The following is an entry in ClinVar:

NM_000458.4(HNF1B):c.1205T>C (p.Met402Thr)

Gene: HNF1B (HNF1 homeobox B; minus strand). Cytogenetic location: 17q12.
Variant type: single nucleotide variant.
Coding change: c.1205T>C on transcript NM_000458.4 (MANE Select); coding-DNA position 1205, T replaced by C.
Protein change: p.Met402Thr; replaces methionine 402 with threonine.
Molecular consequence: missense variant.
Genome position (GRCh38, 1-based): chr17:37,710,504, A>G on the plus strand (T>C on the coding strand, the complement: HNF1B is on the minus strand). VCF-style: chr17-37710504-A-G. GRCh37 (hg19) VCF-style: chr17-36070512-A-G.
Other names: c.1127T>C, p.Met376Thr (NM_001165923.4, NM_001304286.2); c.1205T>C, p.Met402Thr (NM_001411100.1); short protein forms M376T, M402T.
Identifiers: ClinVar variation 3066361 (VCV003066361.1), dbSNP rs2032896609, ClinGen allele CA398758972.
Genomic context (GRCh38, chr17:37,710,504, plus strand): 5'-TGTTTGTTTTGCCTCTTATCTTATCAGCTCCAGAGCGACAATGGCCCAGGTGTACTCACC[A>G]TTTTACCATCAGGTGAGAGGAGATTGTGGCCTGGGTCCAGGCTGGCTGGGGAGACTTGCT-3'
Protein context (NP_000449.1, residues 392-412): GHNLLSPDGK[Met402Thr]ISVSGGGLPP

ClinVar aggregate classification (germline): Uncertain significance (1 of 4 stars; one submission).

Conditions:
Renal cysts and diabetes syndrome (RCAD). Also called: Familial hypoplastic, glomerulocystic kidney; MATURITY-ONSET DIABETES OF THE YOUNG, TYPE 5. Identifiers: Orphanet 93111, MedGen C0431693, MONDO:0007669, OMIM 137920.

Submission:

MVZ Medizinische Genetik Mainz
Classification: Uncertain significance for Renal cysts and diabetes syndrome. Last evaluated: 2021-11-15. Review status: criteria provided, single submitter. Criteria: UK Practice Guidelines For Variant Classification V4 01 2020. Collection method: clinical testing. Allele origin: germline. Inheritance: Autosomal dominant inheritance. Affected: yes. Observed: 1 variant allele.
Comment: ACMG Criteria: PM2_SUP, PP3